The following is an entry in ClinVar:

ClinVar aggregate classification (germline): Conflicting classifications of pathogenicity. Review status: criteria provided, conflicting classifications (1 of 4 stars). 13 submissions from 13 submitters: Uncertain significance (1); Benign (6); Likely benign (4). 2 of the submissions do not count toward it. Last evaluated 2026-09-21.

Conditions:
Cardiomyopathy (CMYO). Also called: Cardiomyopathies. Identifiers: Orphanet 167848, MedGen C0878544, MONDO:0004994, HP:0001638. Inheritance: Various modes of inheritance.
Catecholaminergic polymorphic ventricular tachycardia 2. Also called: VENTRICULAR TACHYCARDIA, STRESS-INDUCED POLYMORPHIC 2; CASQ2-Related Catecholaminergic Polymorphic Ventricular Tachycardia. Identifiers: Orphanet 3286, MedGen C2677794, MONDO:0012762, OMIM 611938.
Catecholaminergic polymorphic ventricular tachycardia 1. Also called: VENTRICULAR TACHYCARDIA, STRESS-INDUCED POLYMORPHIC 1; RYR2-Related Catecholaminergic Polymorphic Ventricular Tachycardia; VENTRICULAR TACHYCARDIA, CATECHOLAMINERGIC POLYMORPHIC, 1, WITH OR WITHOUT ATRIAL DYSFUNCTION AND/OR DILATED CARDIOMYOPATHY. Identifiers: Orphanet 3286, MedGen C1631597, MONDO:0011484, OMIM 604772.

Allele frequency attached by ClinVar (database versions not stated): gnomAD exomes 0.00061; ExAC 0.00082; ESP Exome Variant Server 0.00123; gnomAD 0.00243; TOPMed 0.00259; 1000 Genomes Project 0.00459; 1000 Genomes Project 30x 0.00515.
gnomAD v4.1: 694 of 1,613,688 alleles (0.043%); highest among the groups gnomAD compares: African/African-American, 0.85%; 3 homozygotes.

Submissions (13):

Molecular Diagnostic Laboratory for Inherited Cardiovascular Disease, Montreal Heart Institute
Classification: Benign. Last evaluated: 2026-09-21. Review status: criteria provided, single submitter. Criteria: ACMG Guidelines, 2015. Collection method: clinical testing. Allele origin: germline. Affected: no.

Labcorp Genetics (formerly Invitae), Labcorp
Classification: Benign for Catecholaminergic polymorphic ventricular tachycardia 1. Last evaluated: 2026-02-03. Review status: criteria provided, single submitter. Criteria: Invitae Variant Classification Sherloc (09022015). Collection method: clinical testing. Allele origin: germline.

CeGaT Center for Human Genetics Tuebingen
Classification: Likely benign. Last evaluated: 2026-01-01. Review status: criteria provided, single submitter. Criteria: CeGaT Center For Human Genetics Tuebingen Variant Classification Criteria Version 2. Collection method: clinical testing. Allele origin: germline. Affected: yes. Observed: 1 variant allele.
Comment: CASQ2: BP4, BP7

Mayo Clinic Laboratories, Mayo Clinic
Classification: Likely benign. Last evaluated: 2025-09-16. Review status: criteria provided, single submitter. Criteria: ACMG Guidelines, 2015. Collection method: clinical testing. Allele origin: germline. Observed: 1 variant allele.
Comment: BS1, BP4, BP7

Blueprint Genetics
Classification: Likely benign. Last evaluated: 2024-09-16. Review status: criteria provided, single submitter. Criteria: ACMG Guidelines, 2015. Collection method: clinical testing. Allele origin: germline.

Illumina Laboratory Services, Illumina
Classification: Uncertain significance for Catecholaminergic polymorphic ventricular tachycardia 2. Last evaluated: 2018-01-13. Review status: criteria provided, single submitter. Criteria: ICSL Variant Classification Criteria 13 December 2019. Collection method: clinical testing. Allele origin: germline.

CHEO Genetics Diagnostic Laboratory, Children's Hospital of Eastern Ontario
Classification: Benign for Cardiomyopathy. Last evaluated: 2017-08-11. Review status: criteria provided, single submitter. Criteria: ACMG Guidelines, 2015. Collection method: clinical testing. Allele origin: germline. Study: Canadian Open Genetics Repository.

Women's Health and Genetics/Laboratory Corporation of America, LabCorp
Classification: Likely benign. Last evaluated: 2016-09-06. Review status: criteria provided, single submitter. Criteria: LabCorp Variant Classification Summary - May 2015. Collection method: clinical testing. Allele origin: germline.
Comment: Variant summary: The CASQ2 c.198G>A (p.Thr66Thr) variant involves the alteration of a non-conserved nucleotide, resulting in a synonymous change. One in silico tool predicts a damaging outcome for this variant. 4/5 splice prediction tools predict no significant impact on normal splicing. However, these predictions have yet to be confirmed by functional studies. This variant was found in 99/121402 control chromosomes (1 homozygote), predominantly observed in the African subpopulation at a frequency of 0.0095137 (99/10406). This frequency is about 2 times the estimated maximal expected allele frequency of a pathogenic CASQ2 variant (0.0044721), suggesting this is likely a benign polymorphism found primarily in the populations of African origin. In addition, multiple clinical diagnostic laboratories/reputable databases classified this variant as benign. The variant of interest has not, to our knowledge, been reported in affected individuals via publications nor evaluated for functional impact by in vivo/vitro studies. Taken together, this variant is classified as likely benign.

Eurofins Ntd Llc (ga)
Classification: Benign. Last evaluated: 2015-09-29. Review status: criteria provided, single submitter. Criteria: EGL Classification Definitions 2015. Collection method: clinical testing. Allele origin: germline. Observed: 1 variant allele, 1 heterozygote.

GeneDx
Classification: Benign. Last evaluated: 2014-02-11. Review status: criteria provided, single submitter. Criteria: GeneDx Variant Classification (06012015). Collection method: clinical testing. Allele origin: germline. Affected: yes.
Comment: This variant is considered likely benign or benign based on one or more of the following criteria: it is a conservative change, it occurs at a poorly conserved position in the protein, it is predicted to be benign by multiple in silico algorithms, and/or has population frequency not consistent with disease.

Laboratory for Molecular Medicine, Mass General Brigham Personalized Medicine
Classification: Benign. Last evaluated: 2012-05-17. Review status: criteria provided, single submitter. Criteria: LMM Criteria. Collection method: clinical testing. Allele origin: germline. Observed: 2 variant alleles.
Comment: Thr66Thr in Exon 01 of CASQ2: This variant is not expected to have clinical sign ificance because it does not alter an amino acid residue, is not located within the splice consensus sequence and has been identified in 0.4% (16/3738) of Afric an American chromosomes from a broad population by the NHLBI Exome Sequencing Pr oject (dbSNP rs74114618).

Clinical Genetics, Academic Medical Center
Classification: Benign. Review status: no assertion criteria provided. Collection method: clinical testing. Allele origin: germline. Affected: yes. Study: VKGL Data-share Consensus. Not counted in ClinVar's aggregate classification.

Genome Diagnostics Laboratory, University Medical Center Utrecht
Classification: Benign. Review status: no assertion criteria provided. Collection method: clinical testing. Allele origin: germline. Affected: yes. Study: VKGL Data-share Consensus. Not counted in ClinVar's aggregate classification.

NM_001232.4(CASQ2):c.198G>A (p.Thr66=)

Gene: CASQ2 (calsequestrin 2; minus strand). Cytogenetic location: 1p13.1.
Variant type: single nucleotide variant.
Coding change: c.198G>A on transcript NM_001232.4 (MANE Select); coding-DNA position 198, G replaced by A.
Protein change: p.Thr66=; no amino-acid change (threonine 66 retained).
Molecular consequence: synonymous variant.
Genome position (GRCh38, 1-based): chr1:115,768,344, C>T on the plus strand (G>A on the coding strand, the complement: CASQ2 is on the minus strand). VCF-style: chr1-115768344-C-T. GRCh37 (hg19) VCF-style: chr1-116310965-C-T.
Other names: p.T66T:ACG>ACA; p.Thr66=.
Identifiers: ClinVar variation 44161 (VCV000044161.33), dbSNP rs74114618, ClinGen allele CA282346.
Genomic context (GRCh38, chr1:115,768,344, plus strand): 5'-ACAGCATGCCCTTTGGTTACTTACCTCAAGCACGATTTCTTTCAGTTGGAACTGTTTTTG[C>T]GTGACCTTATCTGAAGACACCGGCTCATGGTAGTAGAGGCAAAGCAAGTCATATTTCTTT-3'
Protein context (NP_001223.2, residues 56-76): YHEPVSSDKV[Thr66=]QKQFQLKEIV